The following is an entry in ClinVar:

NM_003738.5(PTCH2):c.236A>C (p.Glu79Ala)

Gene: PTCH2 (patched 2; minus strand). Cytogenetic location: 1p34.1.
Variant type: single nucleotide variant.
Coding change: c.236A>C on transcript NM_003738.5 (MANE Select); coding-DNA position 236, A replaced by C.
Protein change: p.Glu79Ala; replaces glutamic acid 79 with alanine.
Molecular consequence: missense variant.
Genome position (GRCh38, 1-based): chr1:44,841,876, T>G on the plus strand (A>C on the coding strand, the complement: PTCH2 is on the minus strand). VCF-style: chr1-44841876-T-G. GRCh37 (hg19) VCF-style: chr1-45307548-T-G.
Other names: c.236A>C, p.Glu79Ala (NM_001166292.2); short protein forms E79A.
Identifiers: ClinVar variation 2737238 (VCV002737238.3), dbSNP rs777992882, ClinGen allele CA823714.

ClinVar aggregate classification (germline): Uncertain significance (1 of 4 stars; one submission).

Conditions:
Gorlin syndrome. Also called: Basal cell nevus syndrome; Nevoid Basal Cell Carcinoma Syndrome. Identifiers: Orphanet 377, MedGen C0004779, MONDO:0007187.

Allele frequency attached by ClinVar (database versions not stated): ExAC 0.00001; gnomAD 0.00001; gnomAD exomes 0.00001.

Submission:

Labcorp Genetics (formerly Invitae), Labcorp
Classification: Uncertain significance for Gorlin syndrome. Last evaluated: 2023-11-18. Review status: criteria provided, single submitter. Criteria: Invitae Variant Classification Sherloc (09022015). Collection method: clinical testing. Allele origin: germline.
Comment: This sequence change replaces glutamic acid, which is acidic and polar, with alanine, which is neutral and non-polar, at codon 79 of the PTCH2 protein (p.Glu79Ala). This variant is not present in population databases (gnomAD no frequency). This variant has not been reported in the literature in individuals affected with PTCH2-related conditions. Advanced modeling of protein sequence and biophysical properties (such as structural, functional, and spatial information, amino acid conservation, physicochemical variation, residue mobility, and thermodynamic stability) has been performed at Invitae for this missense variant, however the output from this modeling did not meet the statistical confidence thresholds required to predict the impact of this variant on PTCH2 protein function. In summary, the available evidence is currently insufficient to determine the role of this variant in disease. Therefore, it has been classified as a Variant of Uncertain Significance.